The following is an entry in ClinVar:

NM_001267727.2(ARSG):c.901+6G>A

Gene: ARSG (arylsulfatase G; plus strand). Cytogenetic location: 17q24.2.
Variant type: single nucleotide variant.
Coding change: c.901+6G>A on transcript NM_001267727.2 (MANE Select); 6 bases into the intron after coding-DNA position 901, G replaced by A.
Molecular consequence: intron variant.
Genome position (GRCh38, 1-based): chr17:68,368,750, G>A. VCF-style: chr17-68368750-G-A. GRCh37 (hg19) VCF-style: chr17-66364891-G-A.
Other names: c.898+6G>A (NM_001352904.2, NM_001352903.2, NM_001352905.2 and 2 more transcripts); c.901+6G>A (NM_014960.5, NM_001352910.2, NM_001352899.2 and 3 more transcripts); c.853+6G>A (NM_001352909.2).
Identifiers: ClinVar variation 2008739 (VCV002008739.4), dbSNP rs2510879265, ClinGen allele CA2580095014.

ClinVar aggregate classification (germline): Uncertain significance (1 of 4 stars; one submission).

Allele frequency attached by ClinVar (database versions not stated): gnomAD exomes below 0.00001.
gnomAD v4.1: 3 of 1,610,960 alleles (0.00019%); highest among the groups gnomAD compares: Non-Finnish European, 0.00017%; no homozygotes.

Submission:

Labcorp Genetics (formerly Invitae), Labcorp
Classification: Uncertain significance. Last evaluated: 2022-06-20. Review status: criteria provided, single submitter. Criteria: Invitae Variant Classification Sherloc (09022015). Collection method: clinical testing. Allele origin: germline.
Comment: In summary, the available evidence is currently insufficient to determine the role of this variant in disease. Therefore, it has been classified as a Variant of Uncertain Significance. Variants that disrupt the consensus splice site are a relatively common cause of aberrant splicing (PMID: 17576681, 9536098). Algorithms developed to predict the effect of sequence changes on RNA splicing suggest that this variant is not likely to affect RNA splicing. This variant has not been reported in the literature in individuals affected with ARSG-related conditions. This variant is not present in population databases (gnomAD no frequency). This sequence change falls in intron 7 of the ARSG gene. It does not directly change the encoded amino acid sequence of the ARSG protein. It affects a nucleotide within the consensus splice site.

Literature cited by the submitters: PubMed 17576681; PubMed 9536098.